The following is an entry in ClinVar:

NM_001940.4(ATN1):c.262A>G (p.Lys88Glu)

Gene: ATN1 (atrophin 1; plus strand). Cytogenetic location: 12p13.31.
Variant type: single nucleotide variant.
Coding change: c.262A>G on transcript NM_001940.4 (MANE Select); coding-DNA position 262, A replaced by G.
Protein change: p.Lys88Glu; replaces lysine 88 with glutamic acid.
Molecular consequence: missense variant.
Genome position (GRCh38, 1-based): chr12:6,934,561, A>G. VCF-style: chr12-6934561-A-G. GRCh37 (hg19) VCF-style: chr12-7043724-A-G.
Other names: c.262A>G, p.Lys88Glu (NM_001007026.2, NM_001424176.1, NM_001424177.1 and 4 more transcripts); short protein forms K88E.
Identifiers: ClinVar variation 3389500 (VCV003389500.14).
Genomic context (GRCh38, chr12:6,934,561, plus strand): 5'-AACAAGCAGGGTCGGAGTGAGGAGATCTCAGAGAGTGAAAGTGAGGAGACCAATGCACCA[A>G]AAAAGACCAAAACTGAGGTGGGAAACCCTTGTCGCCATCCTGACCCATCTTGTGACCATT-3'
Protein context (NP_001931.2, residues 78-98): ESESEETNAP[Lys88Glu]KTKTEQELPR

ClinVar aggregate classification (germline): Uncertain significance (1 of 4 stars; one submission).

Submission:

CeGaT Center for Human Genetics Tuebingen
Classification: Uncertain significance. Last evaluated: 2024-10-01. Review status: criteria provided, single submitter. Criteria: CeGaT Center For Human Genetics Tuebingen Variant Classification Criteria Version 2. Collection method: clinical testing. Allele origin: germline. Affected: yes. Observed: 1 variant allele.
Comment: ATN1: PM2